The following is an entry in ClinVar:

ClinVar aggregate classification (germline): Likely benign. Review status: criteria provided, single submitter (1 of 4 stars). 2 submissions from 2 submitters: Likely benign (1). 1 of the submissions does not count toward it. Last evaluated 2024-05-08.

Conditions:
FAM111B-related disorder. Also called: FAM111B-related condition.

Allele frequency attached by ClinVar (database versions not stated): 1000 Genomes Project 30x 0.00031.
gnomAD v4.1: 460 of 1,613,588 alleles (0.029%); highest among the groups gnomAD compares: South Asian, 0.45%; 2 homozygotes.

Submissions (2):

Blueprint Genetics
Classification: Likely benign. Last evaluated: 2024-05-08. Review status: criteria provided, single submitter. Criteria: ACMG Guidelines, 2015. Collection method: clinical testing. Allele origin: germline.

PreventionGenetics, part of Exact Sciences
Classification: Benign for FAM111B-related condition. Last evaluated: 2019-07-10. Review status: no assertion criteria provided. Collection method: clinical testing. Allele origin: germline. Not counted in ClinVar's aggregate classification.
Comment: This variant is classified as benign based on ACMG/AMP sequence variant interpretation guidelines (Richards et al. 2015 PMID: 25741868, with internal and published modifications).

NM_198947.4(FAM111B):c.280C>T (p.Arg94Cys)

Gene: FAM111B (FAM111 trypsin like peptidase B; plus strand). Cytogenetic location: 11q12.1.
Variant type: single nucleotide variant.
Coding change: c.280C>T on transcript NM_198947.4 (MANE Select); coding-DNA position 280, C replaced by T.
Protein change: p.Arg94Cys; replaces arginine 94 with cysteine.
Molecular consequence: missense variant.
Genome position (GRCh38, 1-based): chr11:59,124,377, C>T. VCF-style: chr11-59124377-C-T. GRCh37 (hg19) VCF-style: chr11-58891850-C-T.
Other names: c.190C>T, p.Arg64Cys (NM_001142703.2, NM_001142704.2); short protein forms R64C, R94C.
Identifiers: ClinVar variation 3050428 (VCV003050428.3), dbSNP rs746511108, ClinGen allele CA6016104.